The following is an entry in ClinVar:

NM_000553.6(WRN):c.2414A>G (p.Asp805Gly)

Gene: WRN (WRN RecQ like helicase; plus strand). Cytogenetic location: 8p12.
Variant type: single nucleotide variant.
Coding change: c.2414A>G on transcript NM_000553.6 (MANE Select); coding-DNA position 2414, A replaced by G.
Protein change: p.Asp805Gly; replaces aspartic acid 805 with glycine.
Molecular consequence: missense variant.
Genome position (GRCh38, 1-based): chr8:31,116,494, A>G. VCF-style: chr8-31116494-A-G. GRCh37 (hg19) VCF-style: chr8-30974010-A-G.
Other names: short protein forms D805G.
Identifiers: ClinVar variation 848745 (VCV000848745.6), dbSNP rs1175680631, ClinGen allele CA370913953.
Genomic context (GRCh38, chr8:31,116,494, plus strand): 5'-GGAAACTGAATCTATCCTGTGGAACATACCATGCGGGCATGAGTTTTAGCACAAGGAAAG[A>G]CATTCATCATAGGTTTGTAAGAGATGAAATTCAGGTATGAGGATCAATCATCATTGCTCT-3'
Protein context (NP_000544.2, residues 795-815): HAGMSFSTRK[Asp805Gly]IHHRFVRDEI

ClinVar aggregate classification (germline): Uncertain significance (1 of 4 stars; one submission).

Conditions:
Werner syndrome (WRN). Identifiers: Orphanet 902, MedGen C0043119, MONDO:0010196, OMIM 277700.

Allele frequency attached by ClinVar (database versions not stated): gnomAD exomes below 0.00001 and 0.00001; gnomAD 0.00001; TOPMed 0.00001.
gnomAD v4.1: 9 of 1,613,896 alleles (0.00056%); highest among the groups gnomAD compares: Admixed American, 0.0017%; no homozygotes.

Submission:

Labcorp Genetics (formerly Invitae), Labcorp
Classification: Uncertain significance for Werner syndrome. Last evaluated: 2024-04-23. Review status: criteria provided, single submitter. Criteria: Invitae Variant Classification Sherloc (09022015). Collection method: clinical testing. Allele origin: germline.
Comment: This sequence change replaces aspartic acid, which is acidic and polar, with glycine, which is neutral and non-polar, at codon 805 of the WRN protein (p.Asp805Gly). This variant is present in population databases (no rsID available, gnomAD 0.003%). This variant has not been reported in the literature in individuals affected with WRN-related conditions. ClinVar contains an entry for this variant (Variation ID: 848745). An algorithm developed to predict the effect of missense changes on protein structure and function (PolyPhen-2) suggests that this variant is likely to be disruptive. In summary, the available evidence is currently insufficient to determine the role of this variant in disease. Therefore, it has been classified as a Variant of Uncertain Significance.